The following is an entry in ClinVar:

ClinVar aggregate classification (germline): Uncertain significance (1 of 4 stars; one submission).

Submission:

Ambry Genetics
Classification: Uncertain significance. Last evaluated: 2025-08-01. Review status: criteria provided, single submitter. Criteria: Ambry Variant Classification Scheme 2023. Collection method: clinical testing. Allele origin: germline.
Comment: The c.114T>G (p.C38W) alteration is located in exon (coding exon ) of the KRTAP5-4 gene. This alteration results from a T to G substitution at nucleotide position 114, causing the cysteine (C) at amino acid position 38 to be replaced by a tryptophan (W). Based on insufficient or conflicting evidence, the clinical significance of this alteration remains unclear.

NM_001347674.1(KRTAP5-4):c.114T>G (p.Cys38Trp)

Gene: KRTAP5-4 (keratin associated protein 5-4; minus strand). Cytogenetic location: 11p15.5.
Variant type: single nucleotide variant.
Coding change: c.114T>G on transcript NM_001347674.1 (MANE Select); coding-DNA position 114, T replaced by G.
Protein change: p.Cys38Trp; replaces cysteine 38 with tryptophan.
Molecular consequence: missense variant.
Genome position (GRCh38, 1-based): chr11:1,621,980, A>C on the plus strand (T>G on the coding strand, the complement: KRTAP5-4 is on the minus strand). VCF-style: chr11-1621980-A-C. GRCh37 (hg19) VCF-style: chr11-1643210-A-C.
Other names: c.114T>G (NM_001012709.1); short protein forms C38W.
Identifiers: ClinVar variation 4095735 (VCV004095735.1).